The following is an entry in ClinVar:

ClinVar aggregate classification (germline): Pathogenic. Review status: criteria provided, multiple submitters, no conflicts (2 of 4 stars). 4 submissions from 4 submitters: Pathogenic (4). Last evaluated 2026-01-17.

Conditions:
PGM1-congenital disorder of glycosylation. Also called: PGM1 DEFICIENCY; GLYCOGEN STORAGE DISEASE XIV; GSD XIV; CDG It; PHOSPHOGLUCOMUTASE 1 DEFICIENCY; Congenital disorder of glycosylation type 1t. Identifiers: Orphanet 319646, MedGen C2752015, MONDO:0013968, OMIM 614921.

Submissions (4):

Department of Molecular Genetics, Istishari Arab Hospital
Classification: Pathogenic for PGM1-congenital disorder of glycosylation. Last evaluated: 2026-01-17. Review status: criteria provided, single submitter. Criteria: ACMG Guidelines, 2015. Collection method: clinical testing. Allele origin: germline. Inheritance: Autosomal recessive inheritance. Affected: yes.
Comment: The PGM1 variant c.1086dup p.Gly363Trpfs*22 creates a shift in the reading frame at position 363, introducing a premature stop codon 22 amino acids downstream. This is predicted to result in a loss or disruption of normal protein function through nonsense-mediated decay (NMD) or protein truncation. This variant is observed with an extremely low frequency (<0.00001) in the gnomAD v4.1.0 dataset. This variant has previously been reported in patients with Congenital disorder of glycosylation, type It (PMID: 22492991). It is classified as pathogenic according to the recommendations of ACMG/AMP/ClinGen SVI guidelines.

3billion
Classification: Pathogenic for PGM1-congenital disorder of glycosylation. Last evaluated: 2024-09-23. Review status: criteria provided, single submitter. Criteria: ACMG Guidelines, 2015. Collection method: clinical testing. Allele origin: germline. Affected: yes.
Comment: The variant is observed at an extremely low frequency in the gnomAD v4.0.0 dataset (total allele frequency: <0.001%). Predicted Consequence/Location: Frameshift: predicted to result in a loss or disruption of normal protein function through nonsense-mediated decay (NMD) or protein truncation. Multiple pathogenic variants are reported downstream of the variant. The variant has been reported at least twice as pathogenic with clinical assertions and evidence for the classification (ClinVar ID: VCV000654351). Therefore, this variant is classified as Pathogenic according to the recommendation of ACMG/AMP guideline.

Labcorp Genetics (formerly Invitae), Labcorp
Classification: Pathogenic for PGM1-congenital disorder of glycosylation. Last evaluated: 2024-09-02. Review status: criteria provided, single submitter. Criteria: Invitae Variant Classification Sherloc (09022015). Collection method: clinical testing. Allele origin: germline.
Comment: This sequence change creates a premature translational stop signal (p.Gly363Trpfs*22) in the PGM1 gene. It is expected to result in an absent or disrupted protein product. Loss-of-function variants in PGM1 are known to be pathogenic (PMID: 22492991). This variant is present in population databases (no rsID available, gnomAD 0.006%). This variant has not been reported in the literature in individuals affected with PGM1-related conditions. ClinVar contains an entry for this variant (Variation ID: 654351). For these reasons, this variant has been classified as Pathogenic.

Revvity Omics, Revvity
Classification: Pathogenic for PGM1-congenital disorder of glycosylation. Last evaluated: 2020-12-04. Review status: criteria provided, single submitter. Criteria: ACMG Guidelines, 2015. Collection method: clinical testing. Allele origin: germline.

Literature cited by the submitters: PubMed 22492991 (cited by Department of Molecular Genetics, Istishari Arab Hospital and Labcorp Genetics (formerly Invitae), Labcorp).

NM_002633.3(PGM1):c.1086dup (p.Gly363fs)

Gene: PGM1 (phosphoglucomutase 1; plus strand). Cytogenetic location: 1p31.3.
Variant type: Duplication.
Coding change: c.1086dup on transcript NM_002633.3 (MANE Select); coding-DNA position 1086, one base duplicated (T; older notation c.1086dupT).
Protein change: p.Gly363fs; shifts the reading frame from glycine 363.
Molecular consequence: frameshift variant.
Genome position (GRCh38, 1-based): chr1:63,638,742, T duplicated; the last of 6 consecutive T bases (chr1:63,638,737-63,638,742); duplicating any one gives the same sequence. VCF-style (leftmost placement, unchanged base first): chr1-63638736-G-GT. GRCh37 (hg19) VCF-style: chr1-64104407-G-GT.
Other names: p.Gly363Trpfs*22; c.1086dupT (NM_002633.2); c.1140dup, p.Gly381fs (NM_001172818.1); c.495dup, p.Gly166fs (NM_001172819.2); short protein forms G363fs, G166fs, G381fs.
Identifiers: ClinVar variation 654351 (VCV000654351.11), dbSNP rs1170935238, ClinGen allele CA523567368.
Genomic context (GRCh38, chr1:63,638,736, plus strand): 5'-CCTTTGAAGGGTGGCTAGTGCTACAAAGATTGCTTTGTATGAGACCCCAACTGGCTGGAA[G>GT]TTTTTTGGGAATTTGATGGACGCGAGCAAACTGTCCCTTTGTGGGGAGGAGAGCTTCGGG-3'